The following is an entry in ClinVar:

ClinVar aggregate classification (germline): Likely benign. Review status: criteria provided, multiple submitters, no conflicts (2 of 4 stars). 5 submissions from 5 submitters: Likely benign (5). Last evaluated 2026-06-12.

Conditions:
Early-infantile DEE. Also called: Early infantile epileptic encephalopathy; Ohtahara syndrome; Early infantile epileptic encephalopathy with suppression bursts. Identifiers: Orphanet 1934, MedGen C0393706, MONDO:0800491.
Inborn genetic diseases. Identifiers: MedGen C0950123, MeSH D030342.

Allele frequency attached by ClinVar (database versions not stated): TOPMed 0.00004; gnomAD exomes 0.00007 and 0.00014; ExAC 0.00015.
gnomAD v4.1: 104 of 1,606,182 alleles (0.0065%); highest among the groups gnomAD compares: South Asian, 0.074%; no homozygotes.

Submissions (5):

Women's Health and Genetics/Laboratory Corporation of America, LabCorp
Classification: Likely benign. Last evaluated: 2026-06-12. Review status: criteria provided, single submitter. Criteria: LabCorp Variant Classification Summary - May 2015. Collection method: clinical testing. Allele origin: germline.

Labcorp Genetics (formerly Invitae), Labcorp
Classification: Likely benign for Early-infantile DEE. Last evaluated: 2025-11-27. Review status: criteria provided, single submitter. Criteria: Invitae Variant Classification Sherloc (09022015). Collection method: clinical testing. Allele origin: germline.

Blueprint Genetics
Classification: Likely benign. Last evaluated: 2024-03-18. Review status: criteria provided, single submitter. Criteria: ACMG Guidelines, 2015. Collection method: clinical testing. Allele origin: germline.

Ambry Genetics
Classification: Likely benign for Inborn genetic diseases. Last evaluated: 2018-01-08. Review status: criteria provided, single submitter. Criteria: Ambry Variant Classification Scheme 2023. Collection method: clinical testing. Allele origin: germline.

GeneDx
Classification: Likely benign. Last evaluated: 2016-09-27. Review status: criteria provided, single submitter. Criteria: GeneDx Variant Classification (06012015). Collection method: clinical testing. Allele origin: germline. Affected: yes.
Comment: This variant is considered likely benign or benign based on one or more of the following criteria: it is a conservative change, it occurs at a poorly conserved position in the protein, it is predicted to be benign by multiple in silico algorithms, and/or has population frequency not consistent with disease.

NM_001191061.2(SLC25A22):c.930C>T (p.Ile310=)

Gene: SLC25A22 (solute carrier family 25 member 22; minus strand). Cytogenetic location: 11p15.5.
Variant type: single nucleotide variant.
Coding change: c.930C>T on transcript NM_001191061.2 (MANE Select); coding-DNA position 930, C replaced by T.
Protein change: p.Ile310=; no amino-acid change (isoleucine 310 retained).
Molecular consequence: synonymous variant.
Genome position (GRCh38, 1-based): chr11:791,957, G>A on the plus strand (C>T on the coding strand, the complement: SLC25A22 is on the minus strand). VCF-style: chr11-791957-G-A. GRCh37 (hg19) VCF-style: chr11-791957-G-A.
Other names: c.930C>T, p.Ile310= (NM_001191060.2, NM_024698.6).
Identifiers: ClinVar variation 378596 (VCV000378596.14), dbSNP rs765908991, ClinGen allele CA5789001.